The following is an entry in ClinVar:

NC_000023.10:g.(32235181_32305645)_(32563452_32583818)dup

Gene: DMD (dystrophin; minus strand). Cytogenetic location: Xp21.1.
Variant type: Duplication.
Identifiers: ClinVar variation 2501151 (VCV002501151.1).

ClinVar aggregate classification (germline): Likely pathogenic (1 of 4 stars; one submission).

Conditions:
Neuromuscular disease caused by qualitative or quantitative defects of dystrophin. Also called: Qualitative or quantitative defects of dystrophin. Identifiers: Orphanet 207085, MedGen C5679787, MONDO:0016147.

Submission:

Women's Health and Genetics/Laboratory Corporation of America, LabCorp
Classification: Likely pathogenic for Neuromuscular disease caused by qualitative or quantitative defects of dystrophin. Last evaluated: 2023-03-16. Review status: criteria provided, single submitter. Criteria: LabCorp Variant Classification Summary - May 2015. Collection method: clinical testing. Allele origin: germline.
Comment: Variant summary: The variant identified by MLPA or other technology involves the duplication of exons 17-43 in the DMD gene. A presumed nomenclature of c.(1992+1_1993-1)_(6290+1_6291-1)dup has been designated for the purposes of this classification. It has been assumed that this is a tandem duplication in direct orientation (Richardson_GIM_2018, Newman_AJHG_2015). Although exact breakpoints of this duplication are not known, it is expected to result in a frameshift in the DMD gene. The variant was absent in 16120 control chromosomes (gnomAD database, Structural Variants dataset). c.(1992+1_1993-1)_(6290+1_6291-1)dup has been reported in the literature in an individual affected with Dystrophinopathy (Cho_2017, reported through LOVD). To our knowledge, no experimental evidence demonstrating an impact on protein function has been reported. No submitters have provided clinical-significance assessments for this variant to ClinVar after 2014. Based on the evidence outlined above, the variant was classified as likely pathogenic.

Literature cited by the submitters: PubMed 27593222.